The following is an entry in ClinVar:

ClinVar aggregate classification (germline): Uncertain significance. Review status: criteria provided, multiple submitters, no conflicts (2 of 4 stars). 2 submissions from 2 submitters: Uncertain significance (2). Last evaluated 2024-10-28.

Allele frequency attached by ClinVar (database versions not stated): gnomAD 0.00002; TOPMed 0.00003; ESP Exome Variant Server 0.00008.
gnomAD v4.1: 47 of 1,587,052 alleles (0.003%); highest among the groups gnomAD compares: South Asian, 0.02%; no homozygotes.

Submissions (2):

Blueprint Genetics
Classification: Uncertain significance. Last evaluated: 2024-10-28. Review status: criteria provided, single submitter. Criteria: ACMG Guidelines, 2015. Collection method: clinical testing. Allele origin: germline.

Labcorp Genetics (formerly Invitae), Labcorp
Classification: Uncertain significance. Last evaluated: 2023-05-09. Review status: criteria provided, single submitter. Criteria: Invitae Variant Classification Sherloc (09022015). Collection method: clinical testing. Allele origin: germline.
Comment: In summary, the available evidence is currently insufficient to determine the role of this variant in disease. Therefore, it has been classified as a Variant of Uncertain Significance. Advanced modeling of protein sequence and biophysical properties (such as structural, functional, and spatial information, amino acid conservation, physicochemical variation, residue mobility, and thermodynamic stability) performed at Invitae indicates that this missense variant is not expected to disrupt ADAMTS13 protein function. This variant has not been reported in the literature in individuals affected with ADAMTS13-related conditions. The frequency data for this variant in the population databases is considered unreliable, as metrics indicate poor data quality at this position in the gnomAD database. This sequence change replaces arginine, which is basic and polar, with glutamine, which is neutral and polar, at codon 784 of the ADAMTS13 protein (p.Arg784Gln).

NM_139027.6(ADAMTS13):c.2351G>A (p.Arg784Gln)

Gene: ADAMTS13 (ADAM metallopeptidase with thrombospondin type 1 motif 13; plus strand). Cytogenetic location: 9q34.2.
Variant type: single nucleotide variant.
Coding change: c.2351G>A on transcript NM_139027.6 (MANE Select); coding-DNA position 2351, G replaced by A.
Protein change: p.Arg784Gln; replaces arginine 784 with glutamine.
Molecular consequence: missense variant.
Genome position (GRCh38, 1-based): chr9:133,443,492, G>A. VCF-style: chr9-133443492-G-A. GRCh37 (hg19) VCF-style: chr9-136308613-G-A.
Other names: c.2351G>A, p.Arg784Gln (NM_139025.5); c.2258G>A, p.Arg753Gln (NM_139026.6); short protein forms R753Q, R784Q.
Identifiers: ClinVar variation 2715019 (VCV002715019.2), dbSNP rs377187626, ClinGen allele CA200934845.